The following is an entry in ClinVar:

GRCh37/hg19 17p13.1-12(chr17:10493837-15099023)x1

Genes: CDRT15 (CMT1A duplicated region transcript 15; minus strand), MYH3 (myosin heavy chain 3; minus strand), ADPRM (ADP-ribose/CDP-alcohol diphosphatase, manganese dependent; plus strand), ARHGAP44 (Rho GTPase activating protein 44; plus strand), COX10 (cytochrome c oxidase assembly factor heme A:farnesyltransferase COX10; plus strand) and 11 more. Cytogenetic location: 17p13.1-12.
Variant type: copy number loss.
Change: copy number 1 (one copy instead of two) of chr17:10,493,837-15,099,023 (4.61 Mb, GRCh37 coordinates, 1-based), cytogenetic band 17p13.1-12.
Identifiers: ClinVar variation 929830 (VCV000929830.2).

ClinVar aggregate classification (germline): Uncertain significance (1 of 4 stars; one submission).

Submission:

Clinical Genomics Laboratory, Laboratory for Precision Diagnostics, University of Washington
Classification: Uncertain significance. Last evaluated: 2019-02-27. Review status: criteria provided, single submitter. Criteria: Clinical Cytogenomics Laboratory Policy on CNV Interpretation. Collection method: clinical testing. Allele origin: maternal. Affected: yes. Observed: 1 variant allele.

Literature cited by the submitters: PubMed 29174092.